The following is an entry in ClinVar:

ClinVar aggregate classification (germline): Uncertain significance (1 of 4 stars; one submission).

Conditions:
Inborn genetic diseases. Identifiers: MedGen C0950123, MeSH D030342.

Submission:

Ambry Genetics
Classification: Uncertain significance for Inborn genetic diseases. Last evaluated: 2026-01-25. Review status: criteria provided, single submitter. Criteria: Ambry Variant Classification Scheme 2023. Collection method: clinical testing. Allele origin: germline.
Comment: The p.R1243W variant (also known as c.3727A>T), located in coding exon 37 of the FANCA gene, results from an A to T substitution at nucleotide position 3727. The arginine at codon 1243 is replaced by tryptophan, an amino acid with dissimilar properties. This amino acid position is conserved. In addition, this alteration is predicted to be tolerated by in silico analysis. Based on the available evidence, the clinical significance of this variant remains unclear.

NM_000135.4(FANCA):c.3727A>T (p.Arg1243Trp)

Gene: FANCA (FA complementation group A; minus strand). Cytogenetic location: 16q24.3.
Variant type: single nucleotide variant.
Coding change: c.3727A>T on transcript NM_000135.4 (MANE Select); coding-DNA position 3727, A replaced by T.
Protein change: p.Arg1243Trp; replaces arginine 1243 with tryptophan.
Molecular consequence: missense variant.
Genome position (GRCh38, 1-based): chr16:89,742,838, T>A on the plus strand (A>T on the coding strand, the complement: FANCA is on the minus strand). VCF-style: chr16-89742838-T-A. GRCh37 (hg19) VCF-style: chr16-89809246-T-A.
Other names: c.3727A>T, p.Arg1243Trp (NM_001286167.3); short protein forms R1243W.
Identifiers: ClinVar variation 4824593 (VCV004824593.1).
Genomic context (GRCh38, chr16:89,742,838, plus strand): 5'-GTAAAAGAATTTCCTATCTTGCCTCCTCTCTCTCGCAGTCCAGCTTCTTTAGCTGCTTCC[T>A]GATGTTTTCTTCCCTGACTTGTTGAATCGCAAAGTGCAGTGCAGCAGCTGAGAGCCAGTC-3'
Protein context (NP_000126.2, residues 1233-1253): AIQQVREENI[Arg1243Trp]KQLKKLDCER